The following is an entry in ClinVar:

ClinVar aggregate classification (germline): Conflicting classifications of pathogenicity. Review status: criteria provided, conflicting classifications (1 of 4 stars). 5 submissions from 5 submitters: Uncertain significance (4); Likely benign (1). Last evaluated 2025-03-10.

Conditions:
Familial cancer of breast. Also called: Hereditary breast cancer; BREAST CANCER, FAMILIAL; hereditary breast carcinoma. Identifiers: Orphanet 227535, MedGen C0346153, MONDO:0016419, OMIM 114480. Disease mechanism: loss of function.
Hereditary cancer-predisposing syndrome. Also called: Hereditary neoplastic syndrome; Neoplastic Syndromes, Hereditary; Tumor predisposition; Hereditary Cancer Syndrome. Identifiers: Orphanet 140162, MedGen C0027672, MeSH D009386, MONDO:0015356.

Allele frequency attached by ClinVar (database versions not stated): gnomAD exomes below 0.00001.
gnomAD v4.1: 1 of 1,614,192 alleles (0.000062%); highest among the groups gnomAD compares: Non-Finnish European, 0.000085%; no homozygotes.

Submissions (5):

Ambry Genetics
Classification: Likely benign for Hereditary cancer-predisposing syndrome. Last evaluated: 2025-03-10. Review status: criteria provided, single submitter. Criteria: Ambry Variant Classification Scheme 2023. Collection method: clinical testing. Allele origin: germline.

Baylor Genetics
Classification: Uncertain significance for Familial cancer of breast. Last evaluated: 2023-12-24. Review status: criteria provided, single submitter. Criteria: ACMG Guidelines, 2015. Collection method: clinical testing. Allele origin: unknown.

Labcorp Genetics (formerly Invitae), Labcorp
Classification: Uncertain significance for Familial cancer of breast. Last evaluated: 2023-03-28. Review status: criteria provided, single submitter. Criteria: Invitae Variant Classification Sherloc (09022015). Collection method: clinical testing. Allele origin: germline.
Comment: In summary, the available evidence is currently insufficient to determine the role of this variant in disease. Therefore, it has been classified as a Variant of Uncertain Significance. Advanced modeling of protein sequence and biophysical properties (such as structural, functional, and spatial information, amino acid conservation, physicochemical variation, residue mobility, and thermodynamic stability) performed at Invitae indicates that this missense variant is not expected to disrupt PALB2 protein function. ClinVar contains an entry for this variant (Variation ID: 422025). This missense change has been observed in individual(s) with colorectal cancer (PMID: 28135145). This variant is not present in population databases (gnomAD no frequency). This sequence change replaces glycine, which is neutral and non-polar, with arginine, which is basic and polar, at codon 808 of the PALB2 protein (p.Gly808Arg).

Color Diagnostics, LLC DBA Color Health
Classification: Uncertain significance for Hereditary cancer-predisposing syndrome. Last evaluated: 2020-03-17. Review status: criteria provided, single submitter. Criteria: ACMG Guidelines, 2015. Collection method: clinical testing. Allele origin: germline.
Comment: This missense variant replaces glycine with arginine at codon 808 of the PALB2 protein. Computational prediction suggests that this variant may not impact protein structure and function (internally defined REVEL score threshold <= 0.5, PMID: 27666373). Splice site prediction tools suggest that this variant may not impact RNA splicing. To our knowledge, functional studies have not been reported for this variant. This variant has not been reported in individuals affected with hereditary cancer in the literature. This variant has not been identified in the general population by the Genome Aggregation Database (gnomAD). The available evidence is insufficient to determine the role of this variant in disease conclusively. Therefore, this variant is classified as a Variant of Uncertain Significance.

GeneDx
Classification: Uncertain significance. Last evaluated: 2017-10-10. Review status: criteria provided, single submitter. Criteria: GeneDx Variant Classification (06012015). Collection method: clinical testing. Allele origin: germline. Affected: yes.
Comment: This variant is denoted PALB2 c.2422G>A at the cDNA level, p.Gly808Arg (G808R) at the protein level, and results in the change of a Glycine to an Arginine (GGA>AGA). This variant was observed in at least one individual with colorectal cancer (Yurgelun 2017). PALB2 Gly808Arg was not observed in large population cohorts (Lek 2016). Since Glycine and Arginine differ in polarity, charge, size or other properties, this is considered a non-conservative amino acid substitution. PALB2 Gly808Arg occurs at a position that is not conserved and is located in a region required for interaction with POLH and POLH DNA synthesis stimulation (Buisson 2014). In silico analyses are inconsistent regarding the effect this variant may have on protein structure and function. Based on currently available evidence, it is unclear whether PALB2 Gly808Arg is pathogenic or benign. We consider it to be a variant of uncertain significance.

Literature cited by the submitters: PubMed 28135145 (cited by Ambry Genetics and Labcorp Genetics (formerly Invitae), Labcorp).

NM_024675.4(PALB2):c.2422G>A (p.Gly808Arg)

Gene: PALB2 (partner and localizer of BRCA2; minus strand). Cytogenetic location: 16p12.2.
Variant type: single nucleotide variant.
Coding change: c.2422G>A on transcript NM_024675.4 (MANE Select); coding-DNA position 2422, G replaced by A.
Protein change: p.Gly808Arg; replaces glycine 808 with arginine.
Molecular consequence: missense variant.
Genome position (GRCh38, 1-based): chr16:23,629,732, C>T on the plus strand (G>A on the coding strand, the complement: PALB2 is on the minus strand). VCF-style: chr16-23629732-C-T. GRCh37 (hg19) VCF-style: chr16-23641053-C-T.
Other names: short protein forms G808R.
Identifiers: ClinVar variation 422025 (VCV000422025.20), dbSNP rs1064795507, ClinGen allele CA16620133.
Genomic context (GRCh38, chr16:23,629,732, plus strand): 5'-ATGTGTTTCTACAGAGCTGATTTTCTTTAAAAGTGAATGACTCAATGGGTGGAGGTGTTC[C>T]TGGCGGGACAGAGTCACAGTCACAGGTAGGTTGTCCTTGCCTGCCTGACACTTGCAGGGT-3'
Protein context (NP_078951.2, residues 798-818): PTCDCDSVPP[Gly808Arg]TPPPIESFTF